The following is an entry in ClinVar:

NM_001048174.2(MUTYH):c.581C>T (p.Ala194Val)

Gene: MUTYH (mutY DNA glycosylase; minus strand). Cytogenetic location: 1p34.1.
Variant type: single nucleotide variant.
Coding change: c.581C>T on transcript NM_001048174.2 (MANE Select); coding-DNA position 581, C replaced by T.
Protein change: p.Ala194Val; replaces alanine 194 with valine.
Molecular consequence: missense variant. On other transcripts: non-coding transcript variant (2).
Genome position (GRCh38, 1-based): chr1:45,332,599, G>A on the plus strand (C>T on the coding strand, the complement: MUTYH is on the minus strand). VCF-style: chr1-45332599-G-A. GRCh37 (hg19) VCF-style: chr1-45798271-G-A.
Other names: c.581C>T, p.Ala194Val (NM_001048171.2, NM_001048173.2, NM_001293195.2); c.584C>T, p.Ala195Val (NM_001048172.2); c.665C>T, p.Ala222Val (NM_001128425.2); c.626C>T, p.Ala209Val (NM_001293190.2); c.614C>T, p.Ala205Val (NM_001293191.2); c.305C>T, p.Ala102Val (NM_001293192.2, NM_001293196.2); c.236C>T, p.Ala79Val (NM_001350650.2, NM_001350651.2); c.656C>T, p.Ala219Val (NM_012222.3); short protein forms A222V, A209V, A102V, A194V, A205V, A79V, A195V, A219V.
Identifiers: ClinVar variation 580667 (VCV000580667.17), dbSNP rs1557476104, ClinGen allele CA340135302.

ClinVar aggregate classification (germline): Uncertain significance. Review status: criteria provided, multiple submitters, no conflicts (2 of 4 stars). 3 submissions from 3 submitters: Uncertain significance (3). Last evaluated 2025-03-16.

Conditions:
Hereditary cancer-predisposing syndrome. Also called: Tumor predisposition; Neoplastic Syndromes, Hereditary; Hereditary neoplastic syndrome; Hereditary Cancer Syndrome. Identifiers: Orphanet 140162, MedGen C0027672, MeSH D009386, MONDO:0015356.
Familial adenomatous polyposis 2. Also called: MYH-associated polyposis; FAP type 2; COLORECTAL ADENOMATOUS POLYPOSIS, AUTOSOMAL RECESSIVE; ADENOMAS, MULTIPLE COLORECTAL, AUTOSOMAL RECESSIVE; MUTYH-related attenuated familial adenomatous polyposis; MUTYH Polyposis. Identifiers: Orphanet 220460, Orphanet 247798, MedGen C3272841, MONDO:0012041, OMIM 608456.

Allele frequency attached by ClinVar (database versions not stated): TOPMed below 0.00001.
gnomAD v4.1: 1 of 1,614,120 alleles (0.000062%); no homozygotes.

Submissions (3):

Ambry Genetics
Classification: Uncertain significance for Hereditary cancer-predisposing syndrome. Last evaluated: 2025-03-16. Review status: criteria provided, single submitter. Criteria: Ambry Variant Classification Scheme 2023. Collection method: clinical testing. Allele origin: germline.
Comment: The p.A222V variant (also known as c.665C>T), located in coding exon 8 of the MUTYH gene, results from a C to T substitution at nucleotide position 665. The alanine at codon 222 is replaced by valine, an amino acid with similar properties. This amino acid position is conserved. In addition, this alteration is predicted to be deleterious by in silico analysis. Since supporting evidence is limited at this time, the clinical significance of this alteration remains unclear.

Color Diagnostics, LLC DBA Color Health
Classification: Uncertain significance for Hereditary cancer-predisposing syndrome. Last evaluated: 2023-12-05. Review status: criteria provided, single submitter. Criteria: ACMG Guidelines, 2015. Collection method: clinical testing. Allele origin: germline.
Comment: This missense variant replaces alanine with valine at codon 222 of the MUTYH protein. Computational prediction suggests that this variant may have deleterious impact on protein structure and function (internally defined REVEL score threshold >= 0.7, PMID: 27666373). To our knowledge, functional studies have not been reported for this variant. This variant has not been reported in individuals affected with MUTYH-related disorders in the literature. This variant has not been identified in the general population by the Genome Aggregation Database (gnomAD). The available evidence is insufficient to determine the role of this variant in disease conclusively. Therefore, this variant is classified as a Variant of Uncertain Significance.

Labcorp Genetics (formerly Invitae), Labcorp
Classification: Uncertain significance for Familial adenomatous polyposis 2. Last evaluated: 2023-08-22. Review status: criteria provided, single submitter. Criteria: Invitae Variant Classification Sherloc (09022015). Collection method: clinical testing. Allele origin: germline.
Comment: In summary, the available evidence is currently insufficient to determine the role of this variant in disease. Therefore, it has been classified as a Variant of Uncertain Significance. An algorithm developed to predict the effect of missense changes on protein structure and function (PolyPhen-2) suggests that this variant is likely to be disruptive. ClinVar contains an entry for this variant (Variation ID: 580667). This missense change has been observed in individual(s) with clinical features of MUTYH-related conditions (PMID: 21520333; Invitae). This variant is not present in population databases (gnomAD no frequency). This sequence change replaces alanine, which is neutral and non-polar, with valine, which is neutral and non-polar, at codon 222 of the MUTYH protein (p.Ala222Val).

Literature cited by the submitters: PubMed 21520333 (cited by Labcorp Genetics (formerly Invitae), Labcorp).